The following is an entry in ClinVar:

ClinVar aggregate classification (germline): Benign. Review status: criteria provided, multiple submitters, no conflicts (2 of 4 stars). 3 submissions from 3 submitters: Benign (3). Last evaluated 2026-02-01.

Allele frequency attached by ClinVar (database versions not stated): 1000 Genomes Project 30x 0.01031; ESP Exome Variant Server 0.01046; 1000 Genomes Project 0.01058; ExAC 0.01096; gnomAD exomes 0.01150 and 0.01735; gnomAD 0.01256 and 0.01312; TOPMed 0.01433.
gnomAD v4.1: 27,224 of 1,613,792 alleles (1.7%); highest among the groups gnomAD compares: Middle Eastern, 3%; 263 homozygotes.

Submissions (3):

Labcorp Genetics (formerly Invitae), Labcorp
Classification: Benign. Last evaluated: 2026-02-01. Review status: criteria provided, single submitter. Criteria: Invitae Variant Classification Sherloc (09022015). Collection method: clinical testing. Allele origin: germline.

GeneDx
Classification: Benign. Last evaluated: 2020-01-31. Review status: criteria provided, single submitter. Criteria: GeneDx Variant Classification Process June 2021. Collection method: clinical testing. Allele origin: germline. Affected: yes.
Comment: This variant is associated with the following publications: (PMID: 28146470)

Breakthrough Genomics
Classification: Benign. Review status: criteria provided, single submitter. Criteria: ACMG Guidelines, 2015. Collection method: not provided. Allele origin: germline. Inheritance: Autosomal recessive inheritance. Affected: yes.

NM_001142784.3(IL11RA):c.1183C>T (p.Arg395Trp)

Gene: IL11RA (interleukin 11 receptor subunit alpha; plus strand). Cytogenetic location: 9p13.3.
Variant type: single nucleotide variant.
Coding change: c.1183C>T on transcript NM_001142784.3 (MANE Select); coding-DNA position 1183, C replaced by T.
Protein change: p.Arg395Trp; replaces arginine 395 with tryptophan.
Molecular consequence: missense variant. On other transcripts: non-coding transcript variant (1).
Genome position (GRCh38, 1-based): chr9:34,660,867, C>T. VCF-style: chr9-34660867-C-T. GRCh37 (hg19) VCF-style: chr9-34660864-C-T.
Other names: short protein forms R395W.
Identifiers: ClinVar variation 1278472 (VCV001278472.10), dbSNP rs11575580, ClinGen allele CA5036736.
Genomic context (GRCh38, chr9:34,660,867, plus strand): 5'-GAGATAACCCACATTGTTGGAGAGACAGCTGCCTTTCTATGCCCCAGGCTGAGGCTGAGA[C>T]GGGGTGGGAAGGATGGATCCCCAAAGCCTGGGTTCTTGGCCTCAGTGATTCCAGTGGACA-3'
Protein context (NP_001136256.1, residues 385-405): LALGLWLRLR[Arg395Trp]GGKDGSPKPG